The following is an entry in ClinVar:

ClinVar aggregate classification (germline): Uncertain significance (1 of 4 stars; one submission).

gnomAD v4.1: 4 of 1,550,310 alleles (0.00026%); highest among the groups gnomAD compares: African/African-American, 0.0055%; no homozygotes.

Submission:

Labcorp Genetics (formerly Invitae), Labcorp
Classification: Uncertain significance. Last evaluated: 2025-09-06. Review status: criteria provided, single submitter. Criteria: Invitae Variant Classification Sherloc (09022015). Collection method: clinical testing. Allele origin: germline.
Comment: This sequence change replaces alanine, which is neutral and non-polar, with threonine, which is neutral and polar, at codon 20 of the TMEM230 protein (p.Ala20Thr). This variant is not present in population databases (gnomAD no frequency). This variant has not been reported in the literature in individuals affected with TMEM230-related conditions. An algorithm developed to predict the effect of missense changes on protein structure and function outputs the following: PolyPhen-2: "Benign". The threonine amino acid residue is found in multiple mammalian species, which suggests that this missense change does not adversely affect protein function. In summary, the available evidence is currently insufficient to determine the role of this variant in disease. Therefore, it has been classified as a Variant of Uncertain Significance.

NM_001009925.2(TMEM230):c.-26G>A

Gene: TMEM230 (transmembrane protein 230; minus strand). Cytogenetic location: 20p12.3.
Variant type: single nucleotide variant.
Coding change: c.-26G>A on transcript NM_001009925.2 (MANE Select); 26 bases upstream of the start codon, G replaced by A.
Molecular consequence: 5 prime UTR variant.
Genome position (GRCh38, 1-based): chr20:5,112,971, C>T on the plus strand (G>A on the coding strand, the complement: TMEM230 is on the minus strand). VCF-style: chr20-5112971-C-T. GRCh37 (hg19) VCF-style: chr20-5093617-C-T.
Other names: c.-350G>A (NM_001009924.2); c.-302G>A (NM_001330984.2); c.-267G>A (NM_001330985.2); c.-244G>A (NM_001330986.2); c.-26G>A (NM_001330987.2); c.-132G>A (NM_001423980.1); c.-257G>A (NM_014145.5).
Identifiers: ClinVar variation 4776452 (VCV004776452.1).